The following is an entry in ClinVar:

ClinVar aggregate classification (germline): Uncertain significance (1 of 4 stars; one submission).

Conditions:
Inborn genetic diseases. Identifiers: MedGen C0950123, MeSH D030342.

Submission:

Ambry Genetics
Classification: Uncertain significance for Inborn genetic diseases. Last evaluated: 2025-06-22. Review status: criteria provided, single submitter. Criteria: Ambry Variant Classification Scheme 2023. Collection method: clinical testing. Allele origin: germline.
Comment: The p.A54V variant (also known as c.161C>T), located in coding exon 1 of the ANKRD26 gene, results from a C to T substitution at nucleotide position 161. The alanine at codon 54 is replaced by valine, an amino acid with similar properties. This amino acid position is conserved. In addition, the in silico prediction for this alteration is inconclusive. Based on the available evidence, the clinical significance of this variant remains unclear.

NM_014915.3(ANKRD26):c.161C>T (p.Ala54Val)

Genes: ANKRD26 (ankyrin repeat domain containing 26; minus strand), LOC130003554 (ATAC-STARR-seq lymphoblastoid silent region 2243; plus strand). Cytogenetic location: 10p12.1.
Variant type: single nucleotide variant.
Coding change: c.161C>T on transcript NM_014915.3 (MANE Select); coding-DNA position 161, C replaced by T.
Protein change: p.Ala54Val; replaces alanine 54 with valine.
Molecular consequence: missense variant.
Genome position (GRCh38, 1-based): chr10:27,100,166, G>A on the plus strand (C>T on the coding strand, the complement: ANKRD26 is on the minus strand). VCF-style: chr10-27100166-G-A. GRCh37 (hg19) VCF-style: chr10-27389095-G-A.
Other names: c.161C>T, p.Ala54Val (NM_001256053.2); short protein forms A54V.
Identifiers: ClinVar variation 4102690 (VCV004102690.1).